The following is an entry in ClinVar:

ClinVar aggregate classification (germline): Uncertain significance. Review status: criteria provided, multiple submitters, no conflicts (2 of 4 stars). 2 submissions from 2 submitters: Uncertain significance (2). Last evaluated 2024-09-30.

Conditions:
Inborn genetic diseases. Identifiers: MedGen C0950123, MeSH D030342.

Allele frequency attached by ClinVar (database versions not stated): gnomAD 0.00003; TOPMed 0.00003; ESP Exome Variant Server 0.00008; ExAC 0.00002; gnomAD exomes 0.00003.
gnomAD v4.1: 51 of 1,530,004 alleles (0.0033%); highest among the groups gnomAD compares: Non-Finnish European, 0.0044%; no homozygotes.

Submissions (2):

Ambry Genetics
Classification: Uncertain significance for Inborn genetic diseases. Last evaluated: 2024-09-30. Review status: criteria provided, single submitter. Criteria: Ambry Variant Classification Scheme 2023. Collection method: clinical testing. Allele origin: germline.

Labcorp Genetics (formerly Invitae), Labcorp
Classification: Uncertain significance. Last evaluated: 2023-07-17. Review status: criteria provided, single submitter. Criteria: Invitae Variant Classification Sherloc (09022015). Collection method: clinical testing. Allele origin: germline.
Comment: Algorithms developed to predict the effect of missense changes on protein structure and function output the following: SIFT: "Not Available"; PolyPhen-2: "Benign"; Align-GVGD: "Not Available". The leucine amino acid residue is found in multiple mammalian species, which suggests that this missense change does not adversely affect protein function. This sequence change replaces proline, which is neutral and non-polar, with leucine, which is neutral and non-polar, at codon 908 of the TUBGCP6 protein (p.Pro908Leu). This variant is present in population databases (rs369631696, gnomAD 0.006%). This variant has not been reported in the literature in individuals affected with TUBGCP6-related conditions. ClinVar contains an entry for this variant (Variation ID: 1043489). In summary, the available evidence is currently insufficient to determine the role of this variant in disease. Therefore, it has been classified as a Variant of Uncertain Significance.

NM_020461.4(TUBGCP6):c.2723C>T (p.Pro908Leu)

Gene: TUBGCP6 (tubulin gamma complex component 6; minus strand). Cytogenetic location: 22q13.33.
Variant type: single nucleotide variant.
Coding change: c.2723C>T on transcript NM_020461.4 (MANE Select); coding-DNA position 2723, C replaced by T.
Protein change: p.Pro908Leu; replaces proline 908 with leucine.
Molecular consequence: missense variant.
Genome position (GRCh38, 1-based): chr22:50,221,636, G>A on the plus strand (C>T on the coding strand, the complement: TUBGCP6 is on the minus strand). VCF-style: chr22-50221636-G-A. GRCh37 (hg19) VCF-style: chr22-50660065-G-A.
Other names: c.2723C>T (NM_020461.3); short protein forms P908L.
Identifiers: ClinVar variation 1043489 (VCV001043489.7), dbSNP rs369631696, ClinGen allele CA10308131.
Genomic context (GRCh38, chr22:50,221,636, plus strand): 5'-TCCAAGTTAATGGTCTGCAGCGCCACCTCCAGGAGAGGGACCATGCCAGTCTGCACGGAC[G>A]GCTCAGCCCCTGGGCCCACAGGTAGGAAGTCTCCAATGCTGAGGCTGTCAGAGAAGGGTC-3'
Protein context (NP_065194.3, residues 898-918): DFLPVGPGAE[Pro908Leu]SVQTGMVPLL